The following is an entry in ClinVar:

ClinVar aggregate classification (germline): Uncertain significance (1 of 4 stars; one submission).

Allele frequency attached by ClinVar (database versions not stated): TOPMed below 0.00001.
gnomAD v4.1: 1 of 1,613,904 alleles (0.000062%); highest among the groups gnomAD compares: Non-Finnish European, 0.000085%; no homozygotes.

Submission:

CeGaT Center for Human Genetics Tuebingen
Classification: Uncertain significance. Last evaluated: 2022-07-01. Review status: criteria provided, single submitter. Criteria: CeGaT Center For Human Genetics Tuebingen Variant Classification Criteria Version 2. Collection method: clinical testing. Allele origin: germline. Affected: yes. Observed: 1 variant allele.
Comment: KDM5B: PM2, BP4

NM_006618.5(KDM5B):c.2199-4C>G

Gene: KDM5B (lysine demethylase 5B; minus strand). Cytogenetic location: 1q32.1.
Variant type: single nucleotide variant.
Coding change: c.2199-4C>G on transcript NM_006618.5 (MANE Select); 4 bases into the intron before coding-DNA position 2199, C replaced by G.
Molecular consequence: intron variant.
Genome position (GRCh38, 1-based): chr1:202,745,986, G>C on the plus strand (C>G on the coding strand, the complement: KDM5B is on the minus strand). VCF-style: chr1-202745986-G-C. GRCh37 (hg19) VCF-style: chr1-202715114-G-C.
Other names: c.2184-4C>G (NM_001399817.1); c.2064-4C>G (NM_001347591.2); c.2307-4C>G (NM_001314042.2).
Identifiers: ClinVar variation 2639798 (VCV002639798.24), dbSNP rs1157479752, ClinGen allele CA730227915.
Genomic context (GRCh38, chr1:202,745,986, plus strand): 5'-GCTCGAAGCTTCAATGCATTCATCATAGGGTAGAGATCATCCAGCGTGTACCTATACCTG[G>C]AAATAATACCACCACACTTAGCTTTGAGACGTGTAGCTTTGGAGAAAACTAGATGTTTTA-3'